The following is an entry in ClinVar:

ClinVar aggregate classification (germline): Uncertain significance. Review status: criteria provided, multiple submitters, no conflicts (2 of 4 stars). 2 submissions from 2 submitters: Uncertain significance (2). Last evaluated 2024-02-12.

Conditions:
Encephalopathy, acute, infection-induced (herpes-specific), susceptibility to, 1. Also called: Herpes simplex encephalitis, susceptibility to, 1. Identifiers: Orphanet 1930, MedGen C2750180, MONDO:0024563, OMIM 610551.

Allele frequency attached by ClinVar (database versions not stated): gnomAD exomes below 0.00001; ExAC 0.00001.
gnomAD v4.1: 7 of 1,614,132 alleles (0.00043%); highest among the groups gnomAD compares: Non-Finnish European, 0.00059%; no homozygotes.

Submissions (2):

Ambry Genetics
Classification: Uncertain significance. Last evaluated: 2024-02-12. Review status: criteria provided, single submitter. Criteria: Ambry Variant Classification Scheme 2023. Collection method: clinical testing. Allele origin: germline.

Labcorp Genetics (formerly Invitae), Labcorp
Classification: Uncertain significance for Encephalopathy, acute, infection-induced (herpes-specific), susceptibility to, 1. Last evaluated: 2023-12-19. Review status: criteria provided, single submitter. Criteria: Invitae Variant Classification Sherloc (09022015). Collection method: clinical testing. Allele origin: germline.
Comment: This sequence change replaces histidine, which is basic and polar, with glutamine, which is neutral and polar, at codon 60 of the TLR3 protein (p.His60Gln). This variant is present in population databases (rs780502519, gnomAD 0.002%). This variant has not been reported in the literature in individuals affected with TLR3-related conditions. An algorithm developed to predict the effect of missense changes on protein structure and function (PolyPhen-2) suggests that this variant is likely to be disruptive. In summary, the available evidence is currently insufficient to determine the role of this variant in disease. Therefore, it has been classified as a Variant of Uncertain Significance.

NM_003265.3(TLR3):c.180T>A (p.His60Gln)

Gene: TLR3 (toll like receptor 3; plus strand). Cytogenetic location: 4q35.1.
Variant type: single nucleotide variant.
Coding change: c.180T>A on transcript NM_003265.3 (MANE Select); coding-DNA position 180, T replaced by A.
Protein change: p.His60Gln; replaces histidine 60 with glutamine.
Molecular consequence: missense variant.
Genome position (GRCh38, 1-based): chr4:186,076,799, T>A. VCF-style: chr4-186076799-T-A. GRCh37 (hg19) VCF-style: chr4-186997953-T-A.
Other names: short protein forms H60Q.
Identifiers: ClinVar variation 2812640 (VCV002812640.4), dbSNP rs780502519, ClinGen allele CA3161172.